The following is an entry in ClinVar:

NC_000012.11:g.(88490777_88496614)_(88500876_88502842)del

Gene: CEP290 (centrosomal protein 290; minus strand). Cytogenetic location: 12q21.32.
Variant type: Deletion.
Identifiers: ClinVar variation 3366578 (VCV003366578.1).

ClinVar aggregate classification (germline): Pathogenic (1 of 4 stars; one submission).

Conditions:
Meckel syndrome, type 4 (MKS4). Also called: MECKEL-GRUBER SYNDROME, TYPE 4. Identifiers: Orphanet 564, MedGen C1970161, MONDO:0012626, OMIM 611134.

Submission:

Women's Health and Genetics/Laboratory Corporation of America, LabCorp
Classification: Pathogenic for Meckel syndrome, type 4. Last evaluated: 2024-08-27. Review status: criteria provided, single submitter. Criteria: LabCorp Variant Classification Summary - May 2015. Collection method: clinical testing. Allele origin: germline.
Comment: Variant summary: The variant involves the deletion of exons 24-26 in the CEP290 gene. A presumed nomenclature of c.(2483+1_2484-1)_(2991+1_2992-1)del has been designated for the purposes of this classification. This Copy Number Variant (CNV) is expected to alter the reading frame and is predicted to result in a truncation or absence of the encoded protein due to nonsense mediated decay (NMD). The variant was absent in 21694 control chromosomes. To our knowledge, no occurrence of c.(2483+1_2484-1)_(2991+1_2992-1)del in individuals affected with Meckel Syndrome Type 4 and no experimental evidence demonstrating its impact on protein function have been reported. No submitters have cited clinical-significance assessments for this variant to ClinVar. Based on the evidence outlined above, the variant was classified as pathogenic.